The following is an entry in ClinVar:

NM_001111.5(ADAR):c.3647A>G (p.Gln1216Arg)

Gene: ADAR (adenosine deaminase RNA specific; minus strand). Cytogenetic location: 1q21.3.
Variant type: single nucleotide variant.
Coding change: c.3647A>G on transcript NM_001111.5 (MANE Select); coding-DNA position 3647, A replaced by G.
Protein change: p.Gln1216Arg; replaces glutamine 1216 with arginine.
Molecular consequence: missense variant.
Genome position (GRCh38, 1-based): chr1:154,584,840, T>C on the plus strand (A>G on the coding strand, the complement: ADAR is on the minus strand). VCF-style: chr1-154584840-T-C. GRCh37 (hg19) VCF-style: chr1-154557316-T-C.
Other names: c.2762A>G, p.Gln921Arg (NM_001025107.3, NM_001193495.2, NM_001365046.1 and 2 more transcripts); c.3674A>G, p.Gln1225Arg (NM_001365045.1); c.2684A>G, p.Gln895Arg (NM_001365049.1); c.3569A>G, p.Gln1190Arg (NM_015840.4); c.3512A>G, p.Gln1171Arg (NM_015841.4); short protein forms Q1171R, Q1190R, Q1216R, Q895R, Q921R, Q1225R.
Identifiers: ClinVar variation 2197076 (VCV002197076.4), dbSNP rs867756770, ClinGen allele CA30848556.

ClinVar aggregate classification (germline): Uncertain significance (1 of 4 stars; one submission).

Conditions:
Symmetrical dyschromatosis of extremities (DSH). Also called: RETICULATE ACROPIGMENTATION OF DOHI; SYMMETRIC DYSCHROMATOSIS OF THE EXTREMITIES; Dyschromatosis symmetrica hereditaria; DYSCHROMATOSIS SYMMETRICA HEREDITARIA 1. Identifiers: Orphanet 41, MedGen C0406775, MONDO:0007483, OMIM 127400.
Aicardi-Goutieres syndrome 6 (AGS6). Identifiers: Orphanet 51, MedGen C3539013, MONDO:0014007, OMIM 615010.

Submission:

Labcorp Genetics (formerly Invitae), Labcorp
Classification: Uncertain significance for Aicardi-Goutieres syndrome 6; Symmetrical dyschromatosis of extremities. Last evaluated: 2022-04-12. Review status: criteria provided, single submitter. Criteria: Invitae Variant Classification Sherloc (09022015). Collection method: clinical testing. Allele origin: germline.
Comment: This sequence change replaces glutamine, which is neutral and polar, with arginine, which is basic and polar, at codon 1216 of the ADAR protein (p.Gln1216Arg). In summary, the available evidence is currently insufficient to determine the role of this variant in disease. Therefore, it has been classified as a Variant of Uncertain Significance. Algorithms developed to predict the effect of missense changes on protein structure and function are either unavailable or do not agree on the potential impact of this missense change (SIFT: "Tolerated"; PolyPhen-2: "Probably Damaging"; Align-GVGD: "Class C0"). This variant has not been reported in the literature in individuals affected with ADAR-related conditions. This variant is not present in population databases (gnomAD no frequency).